The following is an entry in ClinVar:

NM_000321.3(RB1):c.2593G>A (p.Gly865Arg)

Gene: RB1 (RB transcriptional corepressor 1; plus strand). Cytogenetic location: 13q14.2.
Variant type: single nucleotide variant.
Coding change: c.2593G>A on transcript NM_000321.3 (MANE Select); coding-DNA position 2593, G replaced by A.
Protein change: p.Gly865Arg; replaces glycine 865 with arginine.
Molecular consequence: missense variant.
Genome position (GRCh38, 1-based): chr13:48,476,773, G>A. VCF-style: chr13-48476773-G-A. GRCh37 (hg19) VCF-style: chr13-49050909-G-A.
Other names: short protein forms G865R.
Identifiers: ClinVar variation 961484 (VCV000961484.7), dbSNP rs1949506548, ClinGen allele CA388157381.

ClinVar aggregate classification (germline): Uncertain significance (1 of 4 stars; one submission).

Conditions:
Retinoblastoma (RB1). Also called: RETINOBLASTOMA, SOMATIC. Identifiers: Orphanet 790, MedGen C0035335, MeSH D012175, MONDO:0008380, OMIM 180200, HP:0009919. Disease mechanism: loss of function. Inheritance: Both sporadic and heritable forms are tested..

Submission:

Labcorp Genetics (formerly Invitae), Labcorp
Classification: Uncertain significance for Retinoblastoma. Last evaluated: 2021-08-20. Review status: criteria provided, single submitter. Criteria: Invitae Variant Classification Sherloc (09022015). Collection method: clinical testing. Allele origin: germline.
Comment: This sequence change replaces glycine with arginine at codon 865 of the RB1 protein (p.Gly865Arg). The glycine residue is moderately conserved and there is a moderate physicochemical difference between glycine and arginine. This variant is not present in population databases (ExAC no frequency). This variant has not been reported in the literature in individuals affected with RB1-related conditions. Algorithms developed to predict the effect of missense changes on protein structure and function (SIFT, PolyPhen-2, Align-GVGD) all suggest that this variant is likely to be tolerated. In summary, the available evidence is currently insufficient to determine the role of this variant in disease. Therefore, it has been classified as a Variant of Uncertain Significance.